The following is an entry in ClinVar:

ClinVar aggregate classification (germline): Uncertain significance (1 of 4 stars; one submission).

gnomAD v4.1: 12 of 1,614,056 alleles (0.00074%); highest among the groups gnomAD compares: African/African-American, 0.0013%; no homozygotes.

Submission:

Women's Health and Genetics/Laboratory Corporation of America, LabCorp
Classification: Uncertain significance. Last evaluated: 2024-12-03. Review status: criteria provided, single submitter. Criteria: LabCorp Variant Classification Summary - May 2015. Collection method: clinical testing. Allele origin: germline.
Comment: Variant summary: AGTPBP1 c.1858G>C (p.Asp620His) results in a non-conservative amino acid change in the encoded protein sequence. Four of five in-silico tools predict a damaging effect of the variant on protein function. The variant was absent in 251290 control chromosomes. The available data on variant occurrences in the general population are insufficient to allow any conclusion about variant significance. To our knowledge, no occurrence of c.1858G>C in individuals affected with Neurodegeneration, Childhood-Onset, With Cerebellar Atrophy and no experimental evidence demonstrating its impact on protein function have been reported. No submitters have cited clinical-significance assessments for this variant to ClinVar. Based on the evidence outlined above, the variant was classified as uncertain significance.

NM_001330701.2(AGTPBP1):c.1858G>C (p.Asp620His)

Gene: AGTPBP1 (ATP/GTP binding carboxypeptidase 1; minus strand). Cytogenetic location: 9q21.33.
Variant type: single nucleotide variant.
Coding change: c.1858G>C on transcript NM_001330701.2 (MANE Select); coding-DNA position 1858, G replaced by C.
Protein change: p.Asp620His; replaces aspartic acid 620 with histidine.
Molecular consequence: missense variant.
Genome position (GRCh38, 1-based): chr9:85,632,819, C>G on the plus strand (G>C on the coding strand, the complement: AGTPBP1 is on the minus strand). VCF-style: chr9-85632819-C-G. GRCh37 (hg19) VCF-style: chr9-88247734-C-G.
Other names: c.2014G>C, p.Asp672His (NM_001286715.1); c.1894G>C, p.Asp632His (NM_001286717.1); c.1738G>C, p.Asp580His (NM_015239.3); short protein forms D580H, D620H, D632H, D672H.
Identifiers: ClinVar variation 3768299 (VCV003768299.1).